The following is an entry in ClinVar:

ClinVar aggregate classification (germline): Likely benign (1 of 4 stars; one submission).

Allele frequency attached by ClinVar (database versions not stated): 1000 Genomes Project 30x 0.00484; TOPMed 0.00697; gnomAD exomes 0.00186; 1000 Genomes Project 0.00459; gnomAD 0.00721.

Submission:

GeneDx
Classification: Likely benign. Last evaluated: 2022-01-01. Review status: criteria provided, single submitter. Criteria: GeneDx Variant Classification Process June 2021. Collection method: clinical testing. Allele origin: germline. Affected: yes.
Comment: See Variant Classification Assertion Criteria.

NC_000008.11:g.38151235G>C

Genes: STAR (steroidogenic acute regulatory protein; minus strand), LOC108863620 (STAR 5' regulatory region; plus strand). Cytogenetic location: 8p11.23.
Variant type: single nucleotide variant.
Genome position: GRCh38 VCF-style: chr8-38151235-G-C. GRCh37 (hg19) VCF-style: chr8-38008753-G-C.
Identifiers: ClinVar variation 1712031 (VCV001712031.3), dbSNP rs35818791, ClinGen allele CA175099084.